The following is an entry in ClinVar:

ClinVar aggregate classification (germline): Pathogenic (1 of 4 stars; one submission).

Conditions:
Familial infantile myasthenia (CMS6). Also called: MYASTHENIC SYNDROME, PRESYNAPTIC, CONGENITAL, ASSOCIATED WITH EPISODIC APNEA; Congenital myasthenic syndrome type 6; MYASTHENIC SYNDROME, CONGENITAL, 6, PRESYNAPTIC. Identifiers: Orphanet 590, MedGen C0393929, MONDO:0009689, OMIM 254210.

Submission:

Labcorp Genetics (formerly Invitae), Labcorp
Classification: Pathogenic for Familial infantile myasthenia. Last evaluated: 2023-08-02. Review status: criteria provided, single submitter. Criteria: Invitae Variant Classification Sherloc (09022015). Collection method: clinical testing. Allele origin: germline.
Comment: Information on the frequency of this variant in the gnomAD database is not available, as this variant may be reported differently in the database. This premature translational stop signal has been observed in individual(s) with congenital myasthenic syndrome (PMID: 12548525, 29189923). This sequence change creates a premature translational stop signal (p.Arg548*) in the CHAT gene. It is expected to result in an absent or disrupted protein product. Loss-of-function variants in CHAT are known to be pathogenic (PMID: 12548525, 21786365, 23292760). For these reasons, this variant has been classified as Pathogenic.

Literature cited by the submitters: PubMed 12548525; PubMed 29189923; PubMed 21786365; PubMed 23292760.

NM_020549.5(CHAT):c.1641_1642delinsCT (p.Arg548Ter)

Gene: CHAT (choline O-acetyltransferase; plus strand). Cytogenetic location: 10q11.23.
Variant type: Indel.
Coding change: c.1641_1642delinsCT on transcript NM_020549.5 (MANE Select); coding-DNA positions 1641 to 1642, TC replaced by CT.
Protein change: p.Arg548Ter; replaces arginine 548 with a stop codon.
Molecular consequence: nonsense.
Genome position (GRCh38, 1-based): chr10:49,655,101-49,655,102, TC replaced by CT. VCF-style: chr10-49655101-TC-CT. GRCh37 (hg19) VCF-style: chr10-50863147-TC-CT.
Other names: c.1287_1288delinsCT, p.Arg430Ter (NM_001142929.2, NM_001142934.2, NM_020984.4 and 2 more transcripts); c.1395_1396delinsCT, p.Arg466Ter (NM_001142933.2); short protein forms R548*, R430*, R466*.
Identifiers: ClinVar variation 2884566 (VCV002884566.3), dbSNP rs2538877466, ClinGen allele CA2739265361.